The following is an entry in ClinVar:

ClinVar aggregate classification (germline): Conflicting classifications of pathogenicity. Review status: criteria provided, conflicting classifications (1 of 4 stars). 5 submissions from 5 submitters: Uncertain significance (1); Benign (1); Likely benign (2). 1 of the submissions does not count toward it. Last evaluated 2025-10-01.

Conditions:
BCL9-related disorder. Also called: BCL9-related condition.

Allele frequency attached by ClinVar (database versions not stated): ESP Exome Variant Server 0.00046; gnomAD 0.00070; gnomAD exomes 0.00110; ExAC 0.00112; TOPMed 0.00134; 1000 Genomes Project 0.00240; 1000 Genomes Project 30x 0.00281.
gnomAD v4.1: 2,097 of 1,612,716 alleles (0.13%); highest among the groups gnomAD compares: Middle Eastern, 0.64%; 5 homozygotes.

Submissions (5):

CeGaT Center for Human Genetics Tuebingen
Classification: Benign. Last evaluated: 2025-10-01. Review status: criteria provided, single submitter. Criteria: CeGaT Center For Human Genetics Tuebingen Variant Classification Criteria Version 2. Collection method: clinical testing. Allele origin: germline. Affected: yes. Observed: 1 variant allele.
Comment: BCL9: BP4, BS1, BS2

Ambry Genetics
Classification: Uncertain significance. Last evaluated: 2025-09-10. Review status: criteria provided, single submitter. Criteria: Ambry Variant Classification Scheme 2023. Collection method: clinical testing. Allele origin: germline.

Labcorp Genetics (formerly Invitae), Labcorp
Classification: Likely benign. Last evaluated: 2017-10-13. Review status: criteria provided, single submitter. Criteria: Invitae Variant Classification Sherloc (09022015). Collection method: clinical testing. Allele origin: germline.

Breakthrough Genomics
Classification: Likely benign. Review status: criteria provided, single submitter. Criteria: ACMG Guidelines, 2015. Collection method: not provided. Allele origin: germline. Inheritance: Unknown mechanism. Affected: yes.

PreventionGenetics, part of Exact Sciences
Classification: Likely benign for BCL9-related condition. Last evaluated: 2023-02-22. Review status: no assertion criteria provided. Collection method: clinical testing. Allele origin: germline. Not counted in ClinVar's aggregate classification.
Comment: This variant is classified as likely benign based on ACMG/AMP sequence variant interpretation guidelines (Richards et al. 2015 PMID: 25741868, with internal and published modifications).

NM_004326.4(BCL9):c.905G>A (p.Gly302Asp)

Gene: BCL9 (BCL9 transcription coactivator; plus strand). Cytogenetic location: 1q21.2.
Variant type: single nucleotide variant.
Coding change: c.905G>A on transcript NM_004326.4 (MANE Select); coding-DNA position 905, G replaced by A.
Protein change: p.Gly302Asp; replaces glycine 302 with aspartic acid.
Molecular consequence: missense variant.
Genome position (GRCh38, 1-based): chr1:147,619,060, G>A. VCF-style: chr1-147619060-G-A. GRCh37 (hg19) VCF-style: chr1-147090866-G-A.
Other names: c.905G>A (NM_004326.2); short protein forms G302D.
Identifiers: ClinVar variation 708511 (VCV000708511.20), dbSNP rs142428017, ClinGen allele CA1064455.
Genomic context (GRCh38, chr1:147,619,060, plus strand): 5'-AAAACAAACTGATTCCTTCTGTAGGAAGTCCTGCCAGCTCCACTCCACTGCCCCCAGATG[G>A]TACTGGGCCCAACTCAACTCCCAACAATAGGGCAGTGACCCCTGTCTCCCAGGGGAGCAA-3'
Protein context (NP_004317.2, residues 292-312): PASSTPLPPD[Gly302Asp]TGPNSTPNNR